The following is an entry in ClinVar:

ClinVar aggregate classification (germline): Likely pathogenic (1 of 4 stars; one submission).

Conditions:
Holoprosencephaly 5 (HPE5). Identifiers: Orphanet 2162, MedGen C1864827, MONDO:0012322, OMIM 609637.

Submission:

Labcorp Genetics (formerly Invitae), Labcorp
Classification: Likely pathogenic for Holoprosencephaly 5. Last evaluated: 2021-10-25. Review status: criteria provided, single submitter. Criteria: Invitae Variant Classification Sherloc (09022015). Collection method: clinical testing. Allele origin: germline.
Comment: This sequence change results in a frameshift in the ZIC2 gene (p.His415Metfs*140). While this is not anticipated to result in nonsense mediated decay, it is expected to disrupt the last 118 amino acid(s) of the ZIC2 protein and extend the protein by 21 additional amino acid residues. This variant is not present in population databases (ExAC no frequency). This variant has not been reported in the literature in individuals affected with ZIC2-related conditions. This variant results in an extension of the ZIC2 protein. Other variant(s) that result in a similarly extended protein product (p.His520Profs*35, p.Ser444Alafs*111, p.Gly498Alafs*57) have been observed in individuals with ZIC2-related disease (PMID: 19177455, 19955556, 21940735). This suggests that these extensions may be clinically significant. In summary, the currently available evidence indicates that the variant is pathogenic, but additional data are needed to prove that conclusively. Therefore, this variant has been classified as Likely Pathogenic.

Literature cited by the submitters: PubMed 19177455; PubMed 19955556; PubMed 21940735.

NM_007129.5(ZIC2):c.1243del (p.His415fs)

Gene: ZIC2 (Zic family zinc finger 2; plus strand). Cytogenetic location: 13q32.3.
Variant type: Deletion.
Coding change: c.1243del on transcript NM_007129.5 (MANE Select); coding-DNA position 1243, one base deleted (C; older notation c.1243delC).
Protein change: p.His415fs; shifts the reading frame from histidine 415.
Molecular consequence: frameshift variant.
Genome position (GRCh38, 1-based): chr13:99,985,326, C deleted; the last of 2 consecutive C bases (chr13:99,985,325-99,985,326); deleting either gives the same sequence. VCF-style (leftmost placement, unchanged base first): chr13-99985324-TC-T. GRCh37 (hg19) VCF-style: chr13-100637578-TC-T.
Other names: short protein forms H415fs.
Identifiers: ClinVar variation 1470800 (VCV001470800.6), dbSNP rs2152163697, ClinGen allele CA2573149785.